The following is an entry in ClinVar:

ClinVar aggregate classification (germline): Likely pathogenic (1 of 4 stars; one submission).

Conditions:
Neurodevelopmental disorder. Identifiers: MedGen C1535926, MeSH D065886, MONDO:0700092.

Submission:

Victorian Clinical Genetics Services, Murdoch Childrens Research Institute
Classification: Likely pathogenic for Neurodevelopmental disorder. Last evaluated: 2023-07-17. Review status: criteria provided, single submitter. Criteria: ACMG Guidelines, 2015. Collection method: clinical testing. Allele origin: germline. Inheritance: Autosomal dominant inheritance. Affected: yes.
Comment: Based on the classification scheme VCGS_Germline_v1.3.4, this variant is classified as Likely pathogenic. Following criteria are met: 0105 - The mechanism of disease for this gene is not clearly established. However, the expression of human disease-causing variants did not rescue the various phenotypes observed in a knock-out animal model. Therefore, ruling out gain-of-function as a disease mechanism (PMID: 33980485). (I) 0107 - This gene is associated with autosomal dominant disease. (I) 0211 - Canonical splice site variant without proven consequence on splicing (no functional evidence available). (SP) 0251 - This variant is heterozygous. (I) 0301 - Variant is absent from gnomAD (both v2 and v3). (SP) 0505 - Abnormal splicing is predicted by in silico tools and affected nucleotide is highly conserved. (SP) 0705 - No comparable splice site variants have previous evidence for pathogenicity. (I) 0807 - This variant has no previous evidence of pathogenicity. (I) 0905 - No published segregation evidence has been identified for this variant. (I) 1007 - No published functional evidence has been identified for this variant. (SP) Legend: (SP) - Supporting pathogenic, (I) - Information, (SB) - Supporting benign

Literature cited by the submitters: PubMed 33980485.

NM_003601.4(SMARCA5):c.2283+1G>A

Gene: SMARCA5 (SNF2 related chromatin remodeling ATPase 5; plus strand). Cytogenetic location: 4q31.21.
Variant type: single nucleotide variant.
Coding change: c.2283+1G>A on transcript NM_003601.4 (MANE Select); the canonical splice donor site of the intron after coding-DNA position 2283, G replaced by A.
Molecular consequence: splice donor variant.
Genome position (GRCh38, 1-based): chr4:143,544,848, G>A. VCF-style: chr4-143544848-G-A. GRCh37 (hg19) VCF-style: chr4-144466001-G-A.
Identifiers: ClinVar variation 3376794 (VCV003376794.1).